The following is an entry in ClinVar:

ClinVar aggregate classification (germline): Uncertain significance (1 of 4 stars; one submission).

Conditions:
Ataxia-telangiectasia-like disorder (ATLD). Identifiers: MedGen C1858391, MONDO:0011457.

Submission:

Labcorp Genetics (formerly Invitae), Labcorp
Classification: Uncertain significance for Ataxia-telangiectasia-like disorder. Last evaluated: 2022-08-27. Review status: criteria provided, single submitter. Criteria: Invitae Variant Classification Sherloc (09022015). Collection method: clinical testing. Allele origin: unknown.
Comment: In summary, the available evidence is currently insufficient to determine the role of this variant in disease. Therefore, it has been classified as a Variant of Uncertain Significance. This variant has not been reported in the literature in individuals affected with MRE11-related conditions. This variant is a gross deletion of the genomic region encompassing exon(s) 17-20 of the MRE11 gene, which includes the termination codon. This deletion extends beyond the assayed region for this gene and therefore may encompass additional genes. While this deletion is not anticipated to lead to nonsense mediated decay, it is expected to alter mRNA translation or result in a truncated protein product.

NC_000011.9:g.(?_94153291)_(94170411_?)del

Gene: MRE11 (MRE11 homolog, double strand break repair nuclease; minus strand). Cytogenetic location: 11q21.
Variant type: Deletion.
Identifiers: ClinVar variation 3244637 (VCV003244637.1).